The following is an entry in ClinVar:

NM_005476.7(GNE):c.1081T>C (p.Tyr361His)

Gene: GNE (glucosamine (UDP-N-acetyl)-2-epimerase/N-acetylmannosamine kinase; minus strand). Cytogenetic location: 9p13.3.
Variant type: single nucleotide variant.
Coding change: c.1081T>C on transcript NM_005476.7 (MANE Select); coding-DNA position 1081, T replaced by C.
Protein change: p.Tyr361His; replaces tyrosine 361 with histidine.
Molecular consequence: missense variant.
Genome position (GRCh38, 1-based): chr9:36,227,448, A>G on the plus strand (T>C on the coding strand, the complement: GNE is on the minus strand). VCF-style: chr9-36227448-A-G. GRCh37 (hg19) VCF-style: chr9-36227445-A-G.
Other names: c.1174T>C, p.Tyr392His (NM_001128227.3); c.1081T>C, p.Tyr361His (NM_001190383.3); c.751T>C, p.Tyr251His (NM_001190384.3); c.904T>C, p.Tyr302His (NM_001190388.2, NM_001374798.1); c.928T>C, p.Tyr310His (NM_001374797.1); short protein forms Y361H, Y392H, Y251H, Y310H, Y302H.
Identifiers: ClinVar variation 568002 (VCV000568002.11), dbSNP rs1192630467, ClinGen allele CA373429213.

ClinVar aggregate classification (germline): Uncertain significance. Review status: criteria provided, multiple submitters, no conflicts (2 of 4 stars). 2 submissions from 2 submitters: Uncertain significance (2). Last evaluated 2022-09-16.

Conditions:
Sialuria. Also called: Sialic Acid Storage Disease; SIALURIA, FRENCH TYPE. Identifiers: Orphanet 3166, MedGen C0342853, MONDO:0010028, OMIM 269921.
GNE myopathy (NM). Also called: MYOPATHY, DISTAL, WITH OR WITHOUT RIMMED VACUOLES; INCLUSION BODY MYOPATHY, HEREDITARY, AUTOSOMAL RECESSIVE; INCLUSION BODY MYOPATHY 2, AUTOSOMAL RECESSIVE; IBM 2; Inclusion body myopathy autosomal recessive; Inclusion body myopathy quadriceps sparing. Identifiers: Orphanet 602, MedGen C1853926, MONDO:0011603, OMIM 605820.

Allele frequency attached by ClinVar (database versions not stated): gnomAD exomes below 0.00001; TOPMed below 0.00001; gnomAD 0.00001.
gnomAD v4.1: 5 of 1,602,638 alleles (0.00031%); highest among the groups gnomAD compares: Admixed American, 0.0017%; no homozygotes.

Submissions (2):

Labcorp Genetics (formerly Invitae), Labcorp
Classification: Uncertain significance for Sialuria; GNE myopathy. Last evaluated: 2022-09-16. Review status: criteria provided, single submitter. Criteria: Invitae Variant Classification Sherloc (09022015). Collection method: clinical testing. Allele origin: germline.
Comment: This missense change has been observed in individual(s) with myopathy (PMID: 29480215). This variant is present in population databases (no rsID available, gnomAD 0.007%). This sequence change replaces tyrosine, which is neutral and polar, with histidine, which is basic and polar, at codon 392 of the GNE protein (p.Tyr392His). ClinVar contains an entry for this variant (Variation ID: 568002). In summary, the available evidence is currently insufficient to determine the role of this variant in disease. Therefore, it has been classified as a Variant of Uncertain Significance. Algorithms developed to predict the effect of missense changes on protein structure and function (SIFT, PolyPhen-2, Align-GVGD) all suggest that this variant is likely to be disruptive.

Revvity Omics, Revvity
Classification: Uncertain significance. Last evaluated: 2021-03-20. Review status: criteria provided, single submitter. Criteria: ACMG Guidelines, 2015. Collection method: clinical testing. Allele origin: germline.

Literature cited by the submitters: PubMed 29480215 (cited by Labcorp Genetics (formerly Invitae), Labcorp).